The following is an entry in ClinVar:

ClinVar aggregate classification (germline): Benign/Likely benign. Review status: criteria provided, multiple submitters, no conflicts (2 of 4 stars). 6 submissions from 6 submitters: Benign (1); Likely benign (5). Last evaluated 2025-12-17.

Conditions:
Wolfram syndrome 1 (WFS1). Identifiers: Orphanet 3463, MedGen C4551693, MONDO:0009101, OMIM 222300.

Allele frequency attached by ClinVar (database versions not stated): TOPMed 0.00009; ExAC 0.00010; gnomAD exomes 0.00013.
gnomAD v4.1: 88 of 1,613,048 alleles (0.0055%); highest among the groups gnomAD compares: Middle Eastern, 0.033%; no homozygotes.

Submissions (6):

Labcorp Genetics (formerly Invitae), Labcorp
Classification: Likely benign. Last evaluated: 2025-12-17. Review status: criteria provided, single submitter. Criteria: Invitae Variant Classification Sherloc (09022015). Collection method: clinical testing. Allele origin: germline.

Mayo Clinic Laboratories, Mayo Clinic
Classification: Likely benign. Last evaluated: 2025-09-25. Review status: criteria provided, single submitter. Criteria: ACMG Guidelines, 2015. Collection method: clinical testing. Allele origin: germline. Observed: 1 variant allele.
Comment: BP4, BP7

Blueprint Genetics
Classification: Likely benign. Last evaluated: 2024-10-09. Review status: criteria provided, single submitter. Criteria: ACMG Guidelines, 2015. Collection method: clinical testing. Allele origin: germline.

Athena Diagnostics
Classification: Likely benign. Last evaluated: 2018-11-12. Review status: criteria provided, single submitter. Criteria: Athena Diagnostics Criteria. Collection method: clinical testing. Allele origin: germline.

Laboratory for Molecular Medicine, Mass General Brigham Personalized Medicine
Classification: Likely benign. Last evaluated: 2014-10-19. Review status: criteria provided, single submitter. Criteria: LMM Criteria. Collection method: clinical testing. Allele origin: germline. Observed: 1 variant allele.
Comment: p.Thr870Thr in exon 8 of WFS1: This variant is not expected to have clinical sig nificance because it does not alter an amino acid residue and is not located wit hin the splice consensus sequence.

Clinical Genomics, Uppaluri K&H Personalized Medicine Clinic
Classification: Benign for Wolfram syndrome 1. Review status: criteria provided, single submitter. Criteria: K & H Uppaluri Personalized Medicine Clinic Variant Classification & Assertion Criteria_Updated V.1. Collection method: research. Allele origin: unknown. Inheritance: Autosomal recessive inheritance.
Comment: Potent mutations in WFS1 gene are associated with Wolfram's syndrome, an autosomal recessive condition, which cause diabetes mellitus, diabetes insipidus, deafness and optic atrophy.However no sufficient evidence is found to ascertain the role of this particular variant rs727503754 in Wolfram's syndrome yet.

Literature cited by the submitters: PubMed 20738327 (cited by Clinical Genomics, Uppaluri K&H Personalized Medicine Clinic); PubMed 33879153 (cited by Clinical Genomics, Uppaluri K&H Personalized Medicine Clinic); PubMed 12955714 (cited by Clinical Genomics, Uppaluri K&H Personalized Medicine Clinic); PubMed 18060660 (cited by Clinical Genomics, Uppaluri K&H Personalized Medicine Clinic); PubMed 20301750 (cited by Clinical Genomics, Uppaluri K&H Personalized Medicine Clinic); PubMed 17603484 (cited by Clinical Genomics, Uppaluri K&H Personalized Medicine Clinic).

NM_006005.3(WFS1):c.2610C>T (p.Thr870=)

Gene: WFS1 (wolframin ER transmembrane glycoprotein; plus strand). Cytogenetic location: 4p16.1.
Variant type: single nucleotide variant.
Coding change: c.2610C>T on transcript NM_006005.3 (MANE Select); coding-DNA position 2610, C replaced by T.
Protein change: p.Thr870=; no amino-acid change (threonine 870 retained).
Molecular consequence: synonymous variant.
Genome position (GRCh38, 1-based): chr4:6,302,405, C>T. VCF-style: chr4-6302405-C-T. GRCh37 (hg19) VCF-style: chr4-6304132-C-T.
Other names: p.Thr870=; c.2610C>T, p.Thr870= (NM_001145853.1).
Identifiers: ClinVar variation 166613 (VCV000166613.18), dbSNP rs727503754, ClinGen allele CA179685.